The following is an entry in ClinVar:

NM_001165963.4(SCN1A):c.5734C>T (p.Arg1912Ter)

Genes: SCN1A (sodium voltage-gated channel alpha subunit 1; minus strand), LOC102724058 (uncharacterized LOC102724058; plus strand). Cytogenetic location: 2q24.3.
Variant type: single nucleotide variant.
Coding change: c.5734C>T on transcript NM_001165963.4 (MANE Select); coding-DNA position 5734, C replaced by T.
Protein change: p.Arg1912Ter; replaces arginine 1912 with a stop codon.
Molecular consequence: nonsense. On other transcripts: non-coding transcript variant (1).
Genome position (GRCh38, 1-based): chr2:165,991,541, G>A on the plus strand (C>T on the coding strand, the complement: SCN1A is on the minus strand). VCF-style: chr2-165991541-G-A. GRCh37 (hg19) VCF-style: chr2-166848051-G-A.
Other names: c.5650C>T, p.Arg1884Ter (NM_001165964.3, NM_001353957.2, NM_001353958.2); c.5734C>T, p.Arg1912Ter (NM_001202435.3, NM_001353948.2); c.5701C>T, p.Arg1901Ter (NM_001353949.2, NM_001353950.2, NM_001353951.2 and 2 more transcripts); c.5698C>T, p.Arg1900Ter (NM_001353954.2, NM_001353955.2); c.5647C>T, p.Arg1883Ter (NM_001353960.2); c.3292C>T, p.Arg1098Ter (NM_001353961.2); short protein forms R1901*, R1912*, R1883*, R1098*, R1884*, R1900*.
Identifiers: ClinVar variation 496124 (VCV000496124.57), dbSNP rs77216276, ClinGen allele CA1942648.

ClinVar aggregate classification (germline): Pathogenic. Review status: criteria provided, multiple submitters, no conflicts (2 of 4 stars). 7 submissions from 7 submitters: Pathogenic (7). Last evaluated 2025-04-14.

Conditions:
Severe myoclonic epilepsy in infancy (DRVT). Also called: Dravet syndrome; Epileptic encephalopathy, early infantile, 6 (Dravet syndrome); SEVERE MYOCLONIC EPILEPSY OF INFANCY; DEVELOPMENTAL AND EPILEPTIC ENCEPHALOPATHY 6A; Severe Myoclonic Epilepsy in Infancy (SMEI). Identifiers: Orphanet 33069, MedGen C0751122, MONDO:0100135, OMIM 607208.
Autosomal dominant epilepsy.
Early-infantile DEE. Also called: Early infantile epileptic encephalopathy with suppression bursts; Early infantile epileptic encephalopathy; Ohtahara syndrome. Identifiers: Orphanet 1934, MedGen C0393706, MONDO:0800491.
SCN1A-related disorder. Also called: SCN1A-related conditions; SCN1A-related condition; SCN1A-related disorders.

Allele frequency attached by ClinVar (database versions not stated): gnomAD exomes below 0.00001; ExAC 0.00001; gnomAD 0.00001; 1000 Genomes Project 30x 0.00016; 1000 Genomes Project 0.00020.
gnomAD v4.1: 1 of 1,613,850 alleles (0.000062%); highest among the groups gnomAD compares: Non-Finnish European, 0.000085%; no homozygotes.

Submissions (7):

Variantyx, Inc.
Classification: Pathogenic for Severe myoclonic epilepsy in infancy. Last evaluated: 2025-04-14. Review status: criteria provided, single submitter. Criteria: Variantyx Assertion Criteria 2022. Collection method: clinical testing. Allele origin: de novo. Inheritance: Autosomal dominant inheritance. Affected: yes.
Comment: This is a nonsense variant in the SCN1A gene (OMIM: 182389). Pathogenic variants in this gene have been associated with autosomal dominant Dravet syndrome. This variant has been reported in several unrelated affected individuals (PMID: 14738421, 20522430) (PS4), and it likely occurred de novo in at least two affected individuals reported in the published literature; however, the possibility of parental germline mosaicism cannot be excluded (PMID: 21844054 , 31009440) (PS2). The alteration introduces a premature termination codon in exon 29 out of 29. Although loss of function is a known disease mechanism for SCN1A in this disorder (PMID: 30192042, 36672274, 31904117, 18930999), this variant is not expected to result in nonsense-mediated mRNA decay and a truncated protein may be produced (PVS1_Moderate). This variant has a 0.0015% maximum allele frequency in non-founder control populations (PM2). Inheritance from an unaffected or mildly affected parent has been reported, consistent with incomplete penetrance and variable expressivity for autosomal dominant Dravet syndrome (PMID:¬†20301494). Based on the current evidence, this variant is classified as pathogenic for autosomal dominant Dravet syndrome.

3billion
Classification: Pathogenic for SCN1A-related disorder. Last evaluated: 2024-11-11. Review status: criteria provided, single submitter. Criteria: ACMG Guidelines, 2015. Collection method: clinical testing. Allele origin: germline. Affected: yes.
Comment: The variant is observed at an extremely low frequency in the gnomAD v4.1.0 dataset (total allele frequency: <0.001%). Predicted Consequence/Location: Stop-gained (nonsense): predicted to result in a loss or disruption of normal protein function through protein truncation. Multiple pathogenic variants are reported in the predicted truncated region. The variant has been reported at least twice as pathogenic with clinical assertions and evidence for the classification (ClinVar ID: VCV000496124 /PMID: 14738421). Therefore, this variant is classified as Pathogenic according to the recommendation of ACMG/AMP guideline.

Blueprint Genetics
Classification: Pathogenic for SCN1A-related disorders. Last evaluated: 2023-09-21. Review status: criteria provided, single submitter. Criteria: ACMG Guidelines, 2015. Collection method: clinical testing. Allele origin: germline. Affected: yes. Observed: 1 variant allele.

Labcorp Genetics (formerly Invitae), Labcorp
Classification: Pathogenic for Early-infantile DEE. Last evaluated: 2023-09-10. Review status: criteria provided, single submitter. Criteria: Invitae Variant Classification Sherloc (09022015). Collection method: clinical testing. Allele origin: germline.
Comment: For these reasons, this variant has been classified as Pathogenic. ClinVar contains an entry for this variant (Variation ID: 496124). This variant is also known as R1902X. This premature translational stop signal has been observed in individual(s) with Dravet syndrome (PMID: 14738421, 20522430, 23195492; Invitae). In at least one individual the variant was observed to be de novo. This variant is present in population databases (rs77216276, gnomAD 0.0009%). This sequence change creates a premature translational stop signal (p.Arg1912*) in the SCN1A gene. While this is not anticipated to result in nonsense mediated decay, it is expected to disrupt the last 98 amino acid(s) of the SCN1A protein.

GeneDx
Classification: Pathogenic. Last evaluated: 2021-11-26. Review status: criteria provided, single submitter. Criteria: GeneDx Variant Classification Process June 2021. Collection method: clinical testing. Allele origin: germline. Affected: yes.
Comment: Not observed at a significant frequency in large population cohorts (gnomAD); Nonsense variant in the C-terminus predicted to result in protein truncation, as the last 98 amino acids are lost, and other loss-of-function variants have been reported downstream in the published literature; Lost residues are located within the C-terminal cytoplasmic domain and IQ domain; This variant is associated with the following publications: (PMID: 23195492, 21844054, 22344438, 14738421, 31009440, 30868114, 31864146, 32090326, 32540801, 31035242, 20522430)

CeGaT Center for Human Genetics Tuebingen
Classification: Pathogenic. Last evaluated: 2017-08-01. Review status: criteria provided, single submitter. Criteria: CeGaT Center For Human Genetics Tuebingen Variant Classification Criteria Version 2. Collection method: clinical testing. Allele origin: germline. Affected: yes. Observed: 1 variant allele.

Women's Health and Genetics/Laboratory Corporation of America, LabCorp
Classification: Pathogenic. Last evaluated: 2016-02-03. Review status: criteria provided, single submitter. Criteria: LabCorp Variant Classification Summary - May 2015. Collection method: clinical testing. Allele origin: germline.
Comment: Variant summary: SCN1A c.5734C>T variant results in a premature termination codon, predicted to cause a truncated or absent SCN1A protein, which is a commonly known mechanism for SCN1A-related seizure disorders. Mutation Taster predicts a damaging outcome for this variant, but functional studies have not been carried out to confirm this prediction. This variant is found in 1/121470 control chromosomes at a frequency of 0.0000082, which does not significantly exceed maximal expected frequency of a pathogenic allele (0.0000179). However, the variant has been identified in multiple affected patients in the literature as a de novo mutation, and also as a paternally inherited variant from an asymptomatic mosaic father. Taken together, this is a disease variant and was classified as pathogenic.

Literature cited by the submitters: PubMed 21844054 (cited by Variantyx, Inc. and Women's Health and Genetics/Laboratory Corporation of America, LabCorp); PubMed 31009440 (cited by Variantyx, Inc.); PubMed 30192042 (cited by Variantyx, Inc.); PubMed 36672274 (cited by Variantyx, Inc.); PubMed 31904117 (cited by Variantyx, Inc.); PubMed 18930999 (cited by Variantyx, Inc. and Women's Health and Genetics/Laboratory Corporation of America, LabCorp); PubMed 14738421 (cited by 4 submitters); PubMed 20522430 (cited by 3 submitters); PubMed 23195492 (cited by Labcorp Genetics (formerly Invitae), Labcorp and Women's Health and Genetics/Laboratory Corporation of America, LabCorp).